The following is an entry in ClinVar:

NM_001130987.2(DYSF):c.6155C>G (p.Pro2052Arg)

Gene: DYSF (dysferlin; plus strand). Cytogenetic location: 2p13.2.
Variant type: single nucleotide variant.
Coding change: c.6155C>G on transcript NM_001130987.2 (MANE Select); coding-DNA position 6155, C replaced by G.
Protein change: p.Pro2052Arg; replaces proline 2052 with arginine.
Molecular consequence: missense variant.
Genome position (GRCh38, 1-based): chr2:71,681,092, C>G. VCF-style: chr2-71681092-C-G. GRCh37 (hg19) VCF-style: chr2-71908222-C-G.
Other names: NM_001130987.2(DYSF):c.6155C>G; p.Pro2052Arg; c.6041C>G, p.Pro2014Arg (NM_001130455.2); c.5996C>G, p.Pro1999Arg (NM_001130976.2); c.6059C>G, p.Pro2020Arg (NM_001130977.2); c.6101C>G, p.Pro2034Arg (NM_001130978.2); c.6131C>G, p.Pro2044Arg (NM_001130979.2); c.6089C>G, p.Pro2030Arg (NM_001130980.2); and 8 more; short protein forms P2013R, P2052R, P2044R, P1999R, P2000R, P2014R, P2035R, P2045R.
Identifiers: ClinVar variation 291078 (VCV000291078.8), dbSNP rs886044643, ClinGen allele CA10607009.

ClinVar aggregate classification (germline): Likely pathogenic. Review status: reviewed by expert panel (3 of 4 stars). 3 submissions from 3 submitters: Likely pathogenic (1). 2 of the submissions do not count toward it. Last evaluated 2025-06-10.

Conditions:
Autosomal recessive limb-girdle muscular dystrophy type 2B (LGMDR2). Also called: MUSCULAR DYSTROPHY, LIMB-GIRDLE, TYPE 3; Limb-girdle muscular dystrophy, type 2B; Limb-Girdle Muscular Dystrophy Type 2B (LGMD2B); MUSCULAR DYSTROPHY, LIMB-GIRDLE, AUTOSOMAL RECESSIVE 2. Identifiers: Orphanet 268, MedGen C1850889, MONDO:0009676, OMIM 253601.
Autosomal recessive limb-girdle muscular dystrophy. Identifiers: Orphanet 102015, MedGen C2931907, MONDO:0015152.

Submissions (3):

ClinGen Limb Girdle Muscular Dystrophy Variant Curation Expert Panel, ClinGen
Classification: Likely pathogenic for Autosomal recessive limb-girdle muscular dystrophy. Last evaluated: 2025-06-10. Review status: reviewed by expert panel. Criteria: ClinGen LGMD VCEP ACMG Specifications DYSF V1.0.0. Collection method: curation. Allele origin: germline. Inheritance: Autosomal recessive inheritance.
Comment: The NM_003494.4: c.6038C>G variant in DYSF, which is also known as NM_001130987.2: c.6155C>G p.(Pro2052Arg), is a missense variant predicted to cause substitution of proline by arginine at amino acid 2013, p.(Pro2013Arg). This variant has been reported in unknown phase with a pathogenic variant in at least one individual with LGMD (NM_003494.4: c.3137G>A p.(Arg1064His), 0.5 pts, PMID: 36983702, 30564623; LOVD Individual #00221252) (PM3_Supporting). This individual displayed progressive limb girdle muscle weakness and disease range dysferlin expression by blood monocyte assay, which is highly specific for DYSF-related LGMD (PP4_Strong). This variant is absent from gnomAD v4.1.0 (PM2_Supporting). The computational predictor REVEL gives a score of 0.83, which is above the LGMD VCEP threshold of 0.70, evidence that correlates with impact to DYSF function. In addition, SpliceAI gives a score of 0.31 for donor gain. (PP3). In summary, this variant meets the criteria to be classified as Likely Pathogenic for autosomal recessive limb girdle muscular dystrophy based on the ACMG/AMP criteria applied, as specified by the ClinGen LGMD VCEP (LGMD VCEP specifications version 1.0.0; 06/10/2025): PM3_Supporting, PP4_Strong, PM2_Supporting, PP3.

Natera, Inc.
Classification: Likely pathogenic for Limb-girdle muscular dystrophy type 2B. Last evaluated: 2025-03-14. Review status: criteria provided, single submitter. Criteria: Natera Variant Classification Schema (03/2026). Collection method: clinical testing. Allele origin: germline. Not counted in ClinVar's aggregate classification.
Comment: The c.6038C>G variant in DYSF is a missense variant predicted to cause substitution of proline to arginine at amino acid 2013. This variant is rare in the general population with a frequency below the threshold expected for the associated phenotype(s). This variant has been observed in one or more individuals affected with the associated recessive disease, as either homozygous or compound heterozygous with a second variant (PMID: 36983702, 36374152). This variant has been identified in one or more affected individuals with a phenotype highly consistent with the associated gene (PMID: 36374152). Computational prediction algorithms indicate this variant is likely to affect gene or protein function. Given the available evidence, this variant is classified as Likely Pathogenic.

Eurofins Ntd Llc (ga)
Classification: Uncertain significance. Last evaluated: 2016-09-13. Review status: criteria provided, single submitter. Criteria: EGL Classification Definitions 2015. Collection method: clinical testing. Allele origin: germline. Observed: 1 variant allele, 1 heterozygote. Not counted in ClinVar's aggregate classification.

Literature cited by the submitters: PubMed 36983702 (cited by Natera, Inc.); PubMed 36374152 (cited by Natera, Inc.).